The following is an entry in ClinVar:

NM_002473.6(MYH9):c.3451A>G (p.Thr1151Ala)

Gene: MYH9 (myosin heavy chain 9; minus strand). Cytogenetic location: 22q12.3.
Variant type: single nucleotide variant.
Coding change: c.3451A>G on transcript NM_002473.6 (MANE Select); coding-DNA position 3451, A replaced by G.
Protein change: p.Thr1151Ala; replaces threonine 1151 with alanine.
Molecular consequence: missense variant.
Genome position (GRCh38, 1-based): chr22:36,295,539, T>C on the plus strand (A>G on the coding strand, the complement: MYH9 is on the minus strand). VCF-style: chr22-36295539-T-C. GRCh37 (hg19) VCF-style: chr22-36691585-T-C.
Other names: short protein forms T1151A.
Identifiers: ClinVar variation 1336886 (VCV001336886.6), dbSNP rs2146338652, ClinGen allele CA411388292.

ClinVar aggregate classification (germline): Conflicting classifications of pathogenicity. Review status: criteria provided, conflicting classifications (1 of 4 stars). 2 submissions from 2 submitters: Likely pathogenic (1); Uncertain significance (1). Last evaluated 2026-08-20.

Conditions:
Macrothrombocytopenia and granulocyte inclusions with or without nephritis or sensorineural hearing loss (MATINS). Also called: BLEEDING DISORDER, PLATELET-TYPE, 6; MAY-HEGGLIN ANOMALY; DOHLE LEUKOCYTE INCLUSIONS WITH GIANT PLATELETS; MACROTHROMBOCYTOPENIA WITH LEUKOCYTE INCLUSIONS; SEBASTIAN PLATELET SYNDROME; MACROTHROMBOCYTOPENIA WITH DISPERSED LEUKOCYTIC INCLUSIONS. Identifiers: Orphanet 182050, MedGen C5200934, MONDO:0015912, OMIM 155100.

Submissions (2):

ISTH-SSC Genomics in Thrombosis and Hemostasis, KU Leuven, Center for Molecular and Vascular Biology
Classification: Likely pathogenic for Macrothrombocytopenia and granulocyte inclusions with or without nephritis or sensorineural hearing loss. Last evaluated: 2026-08-20. Review status: criteria provided, single submitter. Criteria: ACMG Guidelines, 2015. Collection method: clinical testing. Allele origin: germline. Inheritance: Autosomal dominant inheritance. Affected: yes. Observed: 1 heterozygote.
Comment: positive co-segregation

Submitted to GoldVariant by Kathleen Freson, Center for Molecular and Vascular Biology, Leuven, Belgium

Genetic Services Laboratory, University of Chicago
Classification: Uncertain significance. Last evaluated: 2018-10-19. Review status: criteria provided, single submitter. Criteria: ACMG Guidelines, 2015. Collection method: clinical testing. Allele origin: germline. Affected: no.